The following is an entry in ClinVar:

ClinVar aggregate classification (germline): Pathogenic (1 of 4 stars; one submission).

Allele frequency attached by ClinVar (database versions not stated): gnomAD exomes below 0.00001; ExAC 0.00001; gnomAD 0.00001.

Submission:

Labcorp Genetics (formerly Invitae), Labcorp
Classification: Pathogenic. Last evaluated: 2022-10-17. Review status: criteria provided, single submitter. Criteria: Invitae Variant Classification Sherloc (09022015). Collection method: clinical testing. Allele origin: germline.
Comment: This sequence change creates a premature translational stop signal (p.Arg86*) in the RSPO2 gene. It is expected to result in an absent or disrupted protein product. Loss-of-function variants in RSPO2 are known to be pathogenic (PMID: 19233133, 29769720). The frequency data for this variant in the population databases is considered unreliable, as metrics indicate poor data quality at this position in the gnomAD database. This variant has not been reported in the literature in individuals affected with RSPO2-related conditions. For these reasons, this variant has been classified as Pathogenic.

Literature cited by the submitters: PubMed 19233133; PubMed 29769720.

NM_178565.5(RSPO2):c.256C>T (p.Arg86Ter)

Gene: RSPO2 (R-spondin 2; minus strand). Cytogenetic location: 8q23.1.
Variant type: single nucleotide variant.
Coding change: c.256C>T on transcript NM_178565.5 (MANE Select); coding-DNA position 256, C replaced by T.
Protein change: p.Arg86Ter; replaces arginine 86 with a stop codon.
Molecular consequence: nonsense. On other transcripts: intron variant (1).
Genome position (GRCh38, 1-based): chr8:107,989,083, G>A on the plus strand (C>T on the coding strand, the complement: RSPO2 is on the minus strand). VCF-style: chr8-107989083-G-A. GRCh37 (hg19) VCF-style: chr8-109001311-G-A.
Other names: c.55C>T, p.Arg19Ter (NM_001317942.2); c.95-28266C>T (NM_001282863.2); short protein forms R19*, R86*.
Identifiers: ClinVar variation 1974110 (VCV001974110.5), dbSNP rs773297160, ClinGen allele CA4841636.
Genomic context (GRCh38, chr8:107,989,083, plus strand): 5'-AGCAATACAGGATAGACAAAACCAAATGCTCACTTGCACATCTGTTCATATCTGGGGCTC[G>A]GTGTCCATAGTACCCGGATGGGCAGGAATGCAGGCACTCTCCATACTGGCGCATCCCTTC-3'